The following is an entry in ClinVar:

NM_206933.4(USH2A):c.8089G>T (p.Glu2697Ter)

Gene: USH2A (usherin; minus strand). Cytogenetic location: 1q41.
Variant type: single nucleotide variant.
Coding change: c.8089G>T on transcript NM_206933.4 (MANE Select); coding-DNA position 8089, G replaced by T.
Protein change: p.Glu2697Ter; replaces glutamic acid 2697 with a stop codon.
Molecular consequence: nonsense.
Genome position (GRCh38, 1-based): chr1:215,888,560, C>A on the plus strand (G>T on the coding strand, the complement: USH2A is on the minus strand). VCF-style: chr1-215888560-C-A. GRCh37 (hg19) VCF-style: chr1-216061902-C-A.
Other names: short protein forms E2697*.
Identifiers: ClinVar variation 620588 (VCV000620588.8), dbSNP rs1558146243, ClinGen allele CA344838904.

ClinVar aggregate classification (germline): Pathogenic/Likely pathogenic. Review status: criteria provided, multiple submitters, no conflicts (2 of 4 stars). 5 submissions from 5 submitters: Pathogenic (4); Likely pathogenic (1). Last evaluated 2024-08-14.

Conditions:
Retinitis pigmentosa 39 (RP39). Identifiers: Orphanet 791, MedGen C3151138, MONDO:0013436, OMIM 613809.
USH2A-related disorder. Also called: USH2A-related condition; USH2A-related disorders. Identifiers: MedGen CN239332.

Allele frequency attached by ClinVar (database versions not stated): gnomAD exomes below 0.00001.
gnomAD v4.1: 1 of 1,614,160 alleles (0.000062%); highest among the groups gnomAD compares: African/African-American, 0.0013%; no homozygotes.

Submissions (5):

Labcorp Genetics (formerly Invitae), Labcorp
Classification: Pathogenic. Last evaluated: 2024-08-14. Review status: criteria provided, single submitter. Criteria: Invitae Variant Classification Sherloc (09022015). Collection method: clinical testing. Allele origin: germline.
Comment: This sequence change creates a premature translational stop signal (p.Glu2697*) in the USH2A gene. It is expected to result in an absent or disrupted protein product. Loss-of-function variants in USH2A are known to be pathogenic (PMID: 10729113, 10909849, 20507924, 25649381). This variant is not present in population databases (gnomAD no frequency). This variant has not been reported in the literature in individuals affected with USH2A-related conditions. ClinVar contains an entry for this variant (Variation ID: 620588). For these reasons, this variant has been classified as Pathogenic.

Myriad Genetics, Inc.
Classification: Pathogenic for USH2A-related disorder. Last evaluated: 2024-05-08. Review status: criteria provided, single submitter. Criteria: Myriad Autosomal Dominant, Autosomal Recessive and X-Linked Classification Criteria (2023). Collection method: clinical testing. Allele origin: unknown.
Comment: NM_206933.2(USH2A):c.8089G>T(E2697*) is expected to be pathogenic in the context of USH2A-related disorders. This variant is predicted to lead to an abnormal or absent protein product due to the creation of a premature termination codon in USH2A, a gene where loss-of-function variants are known to be pathogenic. Please note: this variant was assessed in the context of healthy population screening.

Genome-Nilou Lab
Classification: Pathogenic for Retinitis pigmentosa 39. Last evaluated: 2023-11-04. Review status: criteria provided, single submitter. Criteria: ACMG Guidelines, 2015. Collection method: clinical testing. Allele origin: germline. Affected: no.

Blueprint Genetics
Classification: Likely pathogenic for USH2A-related disorders. Last evaluated: 2023-07-15. Review status: criteria provided, single submitter. Criteria: ACMG Guidelines, 2015. Collection method: clinical testing. Allele origin: germline. Affected: yes. Observed: 4 variant alleles.

Molecular Diagnostics Laboratory, M Health Fairview: University of Minnesota
Classification: Pathogenic for Retinitis pigmentosa 39. Last evaluated: 2016-05-20. Review status: criteria provided, single submitter. Criteria: ACMG Guidelines, 2015. Collection method: clinical testing. Allele origin: germline. Affected: yes. Observed: 1 variant allele.

Literature cited by the submitters: PubMed 10729113 (cited by Labcorp Genetics (formerly Invitae), Labcorp); PubMed 10909849 (cited by Labcorp Genetics (formerly Invitae), Labcorp); PubMed 20507924 (cited by Labcorp Genetics (formerly Invitae), Labcorp); PubMed 25649381 (cited by Labcorp Genetics (formerly Invitae), Labcorp).